The following is an entry in ClinVar:

NM_020987.5(ANK3):c.6432T>G (p.Ala2144=)

Gene: ANK3 (ankyrin 3; minus strand). Cytogenetic location: 10q21.2.
Variant type: single nucleotide variant.
Coding change: c.6432T>G on transcript NM_020987.5 (MANE Select); coding-DNA position 6432, T replaced by G.
Protein change: p.Ala2144=; no amino-acid change (alanine 2144 retained).
Molecular consequence: synonymous variant. On other transcripts: intron variant (4).
Genome position (GRCh38, 1-based): chr10:60,074,449, A>C on the plus strand (T>G on the coding strand, the complement: ANK3 is on the minus strand). VCF-style: chr10-60074449-A-C. GRCh37 (hg19) VCF-style: chr10-61834207-A-C.
Other names: c.4387+6088T>G (NM_001204403.2); c.4408+6088T>G (NM_001204404.2); c.4405+6088T>G (NM_001320874.2); c.1807+6088T>G (NM_001149.4).
Identifiers: ClinVar variation 5041029 (VCV005041029.1).

ClinVar aggregate classification (germline): Likely benign (1 of 4 stars; one submission).

gnomAD v4.1: 24 of 1,614,012 alleles (0.0015%); highest among the groups gnomAD compares: African/African-American, 0.0027%; no homozygotes.

Submission:

CeGaT Center for Human Genetics Tuebingen
Classification: Likely benign. Last evaluated: 2026-09-01. Review status: criteria provided, single submitter. Criteria: CeGaT Center For Human Genetics Tuebingen Variant Classification Criteria Version 2. Collection method: clinical testing. Allele origin: germline. Affected: yes. Observed: 1 variant allele.
Comment: ANK3: BP4, BP7